The following is an entry in ClinVar:

NM_004746.4(DLGAP1):c.2913C>T (p.Pro971=)

Gene: DLGAP1 (DLG associated protein 1; minus strand). Cytogenetic location: 18p11.31.
Variant type: single nucleotide variant.
Coding change: c.2913C>T on transcript NM_004746.4 (MANE Select); coding-DNA position 2913, C replaced by T.
Protein change: p.Pro971=; no amino-acid change (proline 971 retained).
Molecular consequence: synonymous variant.
Genome position (GRCh38, 1-based): chr18:3,499,206, G>A on the plus strand (C>T on the coding strand, the complement: DLGAP1 is on the minus strand). VCF-style: chr18-3499206-G-A. GRCh37 (hg19) VCF-style: chr18-3499204-G-A.
Other names: c.2007C>T, p.Pro669= (NM_001003809.3); c.1965C>T, p.Pro655= (NM_001242762.2); c.2079C>T, p.Pro693= (NM_001242763.2); c.2031C>T, p.Pro677= (NM_001242764.2); c.2037C>T, p.Pro679= (NM_001242766.2, NM_001398534.1); c.2061C>T, p.Pro687= (NM_001308390.2); c.2943C>T, p.Pro981= (NM_001398525.1, NM_001398526.1); c.2913C>T, p.Pro971= (NM_001398527.1); and 4 more.
Identifiers: ClinVar variation 2648533 (VCV002648533.24), dbSNP rs2510074683, ClinGen allele CA502692188.

ClinVar aggregate classification (germline): Likely benign (1 of 4 stars; one submission).

gnomAD v4.1: 1 of 1,592,858 alleles (0.000063%); highest among the groups gnomAD compares: Non-Finnish European, 0.000085%; no homozygotes.

Submission:

CeGaT Center for Human Genetics Tuebingen
Classification: Likely benign. Last evaluated: 2022-09-01. Review status: criteria provided, single submitter. Criteria: CeGaT Center For Human Genetics Tuebingen Variant Classification Criteria Version 2. Collection method: clinical testing. Allele origin: germline. Affected: yes. Observed: 1 variant allele.
Comment: DLGAP1: PM2:Supporting, BP4, BP7